The following is an entry in ClinVar:

ClinVar aggregate classification (germline): Conflicting classifications of pathogenicity. Review status: criteria provided, conflicting classifications (1 of 4 stars). 2 submissions from 2 submitters: Uncertain significance (1); Likely benign (1). Last evaluated 2026-02-25.

Conditions:
Inborn genetic diseases. Identifiers: MedGen C0950123, MeSH D030342.

Allele frequency attached by ClinVar (database versions not stated): gnomAD exomes below 0.00001; TOPMed below 0.00001.
gnomAD v4.1: 4 of 1,483,578 alleles (0.00027%); highest among the groups gnomAD compares: East Asian, 0.0026%; no homozygotes.

Submissions (2):

GeneDx
Classification: Uncertain significance. Last evaluated: 2026-02-25. Review status: criteria provided, single submitter. Criteria: GeneDx Variant Classification Process June 2021. Collection method: clinical testing. Allele origin: germline.
Comment: Not observed at significant frequency in large population cohorts (gnomAD); In silico analysis suggests that this missense variant does not alter protein structure/function; Has not been previously published as pathogenic or benign to our knowledge

Ambry Genetics
Classification: Likely benign for Inborn genetic diseases. Last evaluated: 2022-05-25. Review status: criteria provided, single submitter. Criteria: Ambry Variant Classification Scheme 2023. Collection method: clinical testing. Allele origin: germline.

NM_020971.3(SPTBN4):c.3598A>G (p.Ile1200Val)

Gene: SPTBN4 (spectrin beta, non-erythrocytic 4; plus strand). Cytogenetic location: 19q13.2.
Variant type: single nucleotide variant.
Coding change: c.3598A>G on transcript NM_020971.3 (MANE Select); coding-DNA position 3598, A replaced by G.
Protein change: p.Ile1200Val; replaces isoleucine 1200 with valine.
Molecular consequence: missense variant.
Genome position (GRCh38, 1-based): chr19:40,520,095, A>G. VCF-style: chr19-40520095-A-G. GRCh37 (hg19) VCF-style: chr19-41026002-A-G.
Other names: short protein forms I1200V.
Identifiers: ClinVar variation 2397283 (VCV002397283.3), dbSNP rs1435273943, ClinGen allele CA405916913.